The following is an entry in ClinVar:

ClinVar aggregate classification (germline): Uncertain significance (1 of 4 stars; one submission).

Conditions:
Hereditary hyperekplexia. Identifiers: Orphanet 3197, MedGen C4084968, MONDO:0021022.

Submission:

Labcorp Genetics (formerly Invitae), Labcorp
Classification: Uncertain significance for Hereditary hyperekplexia. Last evaluated: 2025-05-22. Review status: criteria provided, single submitter. Criteria: Invitae Variant Classification Sherloc (09022015). Collection method: clinical testing. Allele origin: germline.
Comment: This sequence change replaces proline, which is neutral and non-polar, with serine, which is neutral and polar, at codon 58 of the GLRA1 protein (p.Pro58Ser). This variant is not present in population databases (gnomAD no frequency). This variant has not been reported in the literature in individuals affected with GLRA1-related conditions. Invitae Evidence Modeling of protein sequence and biophysical properties (such as structural, functional, and spatial information, amino acid conservation, physicochemical variation, residue mobility, and thermodynamic stability) indicates that this missense variant is expected to disrupt GLRA1 protein function with a positive predictive value of 80%. In summary, the available evidence is currently insufficient to determine the role of this variant in disease. Therefore, it has been classified as a Variant of Uncertain Significance.

NM_000171.4(GLRA1):c.172C>T (p.Pro58Ser)

Gene: GLRA1 (glycine receptor alpha 1; minus strand). Cytogenetic location: 5q33.1.
Variant type: single nucleotide variant.
Coding change: c.172C>T on transcript NM_000171.4 (MANE Select); coding-DNA position 172, C replaced by T.
Protein change: p.Pro58Ser; replaces proline 58 with serine.
Molecular consequence: missense variant. On other transcripts: intron variant (1).
Genome position (GRCh38, 1-based): chr5:151,892,323, G>A on the plus strand (C>T on the coding strand, the complement: GLRA1 is on the minus strand). VCF-style: chr5-151892323-G-A. GRCh37 (hg19) VCF-style: chr5-151271884-G-A.
Other names: c.172C>T, p.Pro58Ser (NM_001146040.2); c.-65-5535C>T (NM_001292000.2); short protein forms P58S.
Identifiers: ClinVar variation 4759180 (VCV004759180.1).